The following is an entry in ClinVar:

ClinVar aggregate classification (germline): Likely pathogenic (0 of 4 stars; one submission).

Conditions:
Keratoconus 1 (KTCN1). Identifiers: MedGen C1835677, MONDO:0007851, OMIM 148300.

Allele frequency attached by ClinVar (database versions not stated): gnomAD exomes below 0.00001 and 0.00001.
gnomAD v4.1: 2 of 1,550,130 alleles (0.00013%); highest among the groups gnomAD compares: South Asian, 0.0012%; no homozygotes.

Submission:

Willoughby Group, Queen's University Belfast
Classification: Likely pathogenic for Keratoconus 1. Review status: no assertion criteria provided. Collection method: not provided. Allele origin: germline.
ClinVar note: Converted during submission from probable-pathogenic to Likely pathogenic.

NM_001367624.2(ZNF469):c.10927C>T (p.Leu3643=)

Gene: ZNF469 (zinc finger protein 469; plus strand). Cytogenetic location: 16q24.2.
Variant type: single nucleotide variant.
Coding change: c.10927C>T on transcript NM_001367624.2 (MANE Select); coding-DNA position 10927, C replaced by T.
Protein change: p.Leu3643=; no amino-acid change (leucine 3643 retained).
Molecular consequence: synonymous variant.
Genome position (GRCh38, 1-based): chr16:88,438,397, C>T. VCF-style: chr16-88438397-C-T. GRCh37 (hg19) VCF-style: chr16-88504805-C-T.
Identifiers: ClinVar variation 126917 (VCV000126917.2), dbSNP rs273585637, ClinGen allele CA151273.